The following is an entry in ClinVar:

ClinVar aggregate classification (germline): Benign/Likely benign. Review status: criteria provided, multiple submitters, no conflicts (2 of 4 stars). 3 submissions from 3 submitters: Benign (2); Likely benign (1). Last evaluated 2026-01-28.

Conditions:
Transitory neonatal diabetes mellitus. Also called: Transient neonatal diabetes mellitus. Identifiers: MedGen C0342273, MONDO:0020525, HP:0008255.
Neonatal diabetes mellitus with congenital hypothyroidism. Also called: NDH SYNDROME. Identifiers: Orphanet 79118, MedGen C1857775, MONDO:0012436, OMIM 610199.

Allele frequency attached by ClinVar (database versions not stated): gnomAD exomes 0.00092 and 0.00198; ExAC 0.00355; ESP Exome Variant Server 0.00667; gnomAD 0.00842 and 0.00898; TOPMed 0.00906; 1000 Genomes Project 0.01318; 1000 Genomes Project 30x 0.01359.
gnomAD v4.1: 2,651 of 1,589,568 alleles (0.17%); highest among the groups gnomAD compares: African/African-American, 2.9%; 27 homozygotes.

Submissions (3):

Labcorp Genetics (formerly Invitae), Labcorp
Classification: Benign. Last evaluated: 2026-01-28. Review status: criteria provided, single submitter. Criteria: Invitae Variant Classification Sherloc (09022015). Collection method: clinical testing. Allele origin: germline.

Illumina Laboratory Services, Illumina
Classification: Benign for Neonatal diabetes mellitus with congenital hypothyroidism. Last evaluated: 2018-01-13. Review status: criteria provided, single submitter. Criteria: ICSL Variant Classification Criteria 13 December 2019. Collection method: clinical testing. Allele origin: germline.
Comment: This variant was observed in the ICSL laboratory as part of a predisposition screen in an ostensibly healthy population. It had not been previously curated by ICSL or reported in the Human Gene Mutation Database (HGMD: prior to June 1st, 2018), and was therefore a candidate for classification through an automated scoring system. Utilizing variant allele frequency, disease prevalence and penetrance estimates, and inheritance mode, an automated score was calculated to assess if this variant is too frequent to cause the disease. Based on the score and internal cut-off values, a variant classified as benign is not then subjected to further curation. The score for this variant resulted in a classification of benign for this disease.

Clinical Genomics, Uppaluri K&H Personalized Medicine Clinic
Classification: Likely benign for Transitory neonatal diabetes mellitus. Review status: criteria provided, single submitter. Criteria: K & H Uppaluri Personalized Medicine Clinic Variant Classification & Assertion Criteria_Updated V.1. Collection method: research. Allele origin: unknown.
Comment: Potent mutations in GLIS3 predisposes to neonatal diabetes mellitus with an extra pancreatic manifestation of hypothyroidism. It also predisposes to early onset diabetes in adults.However no sufficient evidence is found to ascertain the role of this particular variant rs75462592, yet.

Literature cited by the submitters: PubMed 32693112 (cited by Clinical Genomics, Uppaluri K&H Personalized Medicine Clinic); PubMed 27899417 (cited by Clinical Genomics, Uppaluri K&H Personalized Medicine Clinic); PubMed 29992946 (cited by Clinical Genomics, Uppaluri K&H Personalized Medicine Clinic); PubMed 35394098 (cited by Clinical Genomics, Uppaluri K&H Personalized Medicine Clinic); PubMed 29146476 (cited by Clinical Genomics, Uppaluri K&H Personalized Medicine Clinic).

NM_001042413.2(GLIS3):c.1216G>T (p.Gly406Cys)

Gene: GLIS3 (GLIS family zinc finger 3; minus strand). Cytogenetic location: 9p24.2.
Variant type: single nucleotide variant.
Coding change: c.1216G>T on transcript NM_001042413.2 (MANE Select); coding-DNA position 1216, G replaced by T.
Protein change: p.Gly406Cys; replaces glycine 406 with cysteine.
Molecular consequence: missense variant.
Genome position (GRCh38, 1-based): chr9:4,118,262, C>A on the plus strand (G>T on the coding strand, the complement: GLIS3 is on the minus strand). VCF-style: chr9-4118262-C-A. GRCh37 (hg19) VCF-style: chr9-4118262-C-A.
Other names: c.751G>T, p.Gly251Cys (NM_152629.4); short protein forms G406C, G251C.
Identifiers: ClinVar variation 366982 (VCV000366982.15), dbSNP rs75462592, ClinGen allele CA4968269.